The following is an entry in ClinVar:

NM_003542.4(H4C3):c.104T>C (p.Ile35Thr)

Gene: H4C3 (H4 clustered histone 3; plus strand). Cytogenetic location: 6p22.2.
Variant type: single nucleotide variant.
Coding change: c.104T>C on transcript NM_003542.4 (MANE Select); coding-DNA position 104, T replaced by C.
Protein change: p.Ile35Thr; replaces isoleucine 35 with threonine.
Molecular consequence: missense variant.
Genome position (GRCh38, 1-based): chr6:26,104,051, T>C. VCF-style: chr6-26104051-T-C. GRCh37 (hg19) VCF-style: chr6-26104279-T-C.
Other names: short protein forms I35T.
Identifiers: ClinVar variation 2580480 (VCV002580480.1), dbSNP rs2481656135, ClinGen allele CA363180916.

ClinVar aggregate classification (germline): Uncertain significance (1 of 4 stars; one submission).

Submission:

GeneDx
Classification: Uncertain significance. Last evaluated: 2023-03-22. Review status: criteria provided, single submitter. Criteria: GeneDx Variant Classification Process June 2021. Collection method: clinical testing. Allele origin: germline. Affected: yes.
Comment: Not observed at significant frequency in large population cohorts (gnomAD); In silico analysis supports that this missense variant has a deleterious effect on protein structure/function; Has not been previously published as pathogenic or benign to our knowledge